The following is an entry in ClinVar:

ClinVar aggregate classification (germline): Pathogenic. Review status: criteria provided, multiple submitters, no conflicts (2 of 4 stars). 4 submissions from 4 submitters: Pathogenic (2). 2 of the submissions do not count toward it. Last evaluated 2023-08-14.

Conditions:
Inborn genetic diseases. Identifiers: MedGen C0950123, MeSH D030342.
Koolen-de Vries syndrome (KDVS). Identifiers: Orphanet 96169, MedGen C1864871, MONDO:0012496, OMIM 610443.

Submissions (4):

Ambry Genetics
Classification: Pathogenic for Inborn genetic diseases. Last evaluated: 2023-08-14. Review status: criteria provided, single submitter. Criteria: Ambry Variant Classification Scheme 2023. Collection method: clinical testing. Allele origin: germline.
Comment: The c.916C>T (p.Q306*) alteration, located in exon 2 (coding exon 1) of the KANSL1 gene, consists of a C to T substitution at nucleotide position 916. This changes the amino acid from a glutamine (Q) to a stop codon at amino acid position 306. This alteration is expected to result in loss of function by premature protein truncation or nonsense-mediated mRNA decay. This variant was not reported in population-based cohorts in the Genome Aggregation Database (gnomAD). This variant has been determined to be the result of a de novo mutation in one individual with features consistent with Koolen-De Vries syndrome (Koolen, 2015). Based on the available evidence, this alteration is classified as pathogenic.

SIB Swiss Institute of Bioinformatics
Classification: Pathogenic for Koolen-de Vries syndrome. Last evaluated: 2019-06-05. Review status: criteria provided, single submitter. Criteria: ACMG Guidelines, 2015. Collection method: curation. Allele origin: unknown.
Comment: This variant is interpreted as a Pathogenic for Koolen-De Vries syndrome, autosomal dominant. The following ACMG Tag(s) were applied: PM2: Absent from controls (or at extremely low frequency if recessive) in Exome Sequencing Project, 1000 Genomes Project, or Exome Aggregation Consortium. PM6: Assumed de novo, but without confirmation of paternity and maternity. PVS1: Predicted nullvariant in a gene where LOF is a known mechanism of disease.

OMIM
Classification: Pathogenic for KOOLEN-DE VRIES SYNDROME. Last evaluated: 2012-04-29. Review status: no assertion criteria provided. Collection method: literature only. Allele origin: germline. Not counted in ClinVar's aggregate classification.

GeneReviews
No classification provided. Condition: Koolen-de Vries syndrome. Review status: no classification provided. Collection method: literature only. Allele origin: unknown. Not counted in ClinVar's aggregate classification.

Literature cited by the submitters: PubMed 26306646 (cited by Ambry Genetics and OMIM); PubMed 22544363 (cited by SIB Swiss Institute of Bioinformatics and OMIM); PubMed 20301783 (cited by GeneReviews); NCBI Bookshelf NBK24676 (cited by GeneReviews).

NM_015443.4(KANSL1):c.916C>T (p.Gln306Ter)

Gene: KANSL1 (KAT8 regulatory NSL complex subunit 1). Cytogenetic location: 17q21.31.
Variant type: single nucleotide variant.
Coding change: c.916C>T on transcript NM_015443.4 (MANE Select); coding-DNA position 916, C replaced by T.
Protein change: p.Gln306Ter; replaces glutamine 306 with a stop codon.
Molecular consequence: nonsense.
Genome position (GRCh38, 1-based): chr17:46,171,228, G>A on the plus strand (C>T on the coding strand, the complement: KANSL1 is on the minus strand). VCF-style: chr17-46171228-G-A. GRCh37 (hg19) VCF-style: chr17-44248594-G-A.
Other names: c.916C>T, p.Gln306Ter (NM_001193465.2, NM_001193466.2, NM_001379198.1); short protein forms Q306*.
Identifiers: ClinVar variation 31695 (VCV000031695.7), dbSNP rs281865468, ClinGen allele CA342804.